The following is an entry in ClinVar:

ClinVar aggregate classification (germline): Uncertain significance (1 of 4 stars; one submission).

Conditions:
Hereditary cancer-predisposing syndrome. Also called: Tumor predisposition; Hereditary Cancer Syndrome; Neoplastic Syndromes, Hereditary; Hereditary neoplastic syndrome. Identifiers: Orphanet 140162, MedGen C0027672, MeSH D009386, MONDO:0015356.

Submission:

Ambry Genetics
Classification: Uncertain significance for Hereditary cancer-predisposing syndrome. Last evaluated: 2023-01-22. Review status: criteria provided, single submitter. Criteria: Ambry Variant Classification Scheme 2023. Collection method: clinical testing. Allele origin: germline.
Comment: The p.E308Q variant (also known as c.922G>C), located in coding exon 8 of the CHEK2 gene, results from a G to C substitution at nucleotide position 922. The glutamic acid at codon 308 is replaced by glutamine, an amino acid with highly similar properties. This amino acid position is highly conserved in available vertebrate species. In addition, this alteration is predicted to be deleterious by in silico analysis. Since supporting evidence is limited at this time, the clinical significance of this alteration remains unclear.

NM_007194.4(CHEK2):c.922G>C (p.Glu308Gln)

Gene: CHEK2 (checkpoint kinase 2; minus strand). Cytogenetic location: 22q12.1.
Variant type: single nucleotide variant.
Coding change: c.922G>C on transcript NM_007194.4 (MANE Select); coding-DNA position 922, G replaced by C.
Protein change: p.Glu308Gln; replaces glutamic acid 308 with glutamine.
Molecular consequence: missense variant.
Genome position (GRCh38, 1-based): chr22:28,699,924, C>G on the plus strand (G>C on the coding strand, the complement: CHEK2 is on the minus strand). VCF-style: chr22-28699924-C-G. GRCh37 (hg19) VCF-style: chr22-29095912-C-G.
Other names: c.1051G>C, p.Glu351Gln (NM_001005735.3); c.259G>C, p.Glu87Gln (NM_001257387.3); c.721G>C, p.Glu241Gln (NM_001349956.3); c.922G>C, p.Glu308Gln (NM_145862.3); short protein forms E308Q, E87Q, E241Q, E351Q.
Identifiers: ClinVar variation 823120 (VCV000823120.5), dbSNP rs1601739303, ClinGen allele CA411100103.